The following is an entry in ClinVar:

NM_018062.4(FANCL):c.608T>G (p.Val203Gly)

Gene: FANCL (FA complementation group L; minus strand). Cytogenetic location: 2p16.1.
Variant type: single nucleotide variant.
Coding change: c.608T>G on transcript NM_018062.4 (MANE Select); coding-DNA position 608, T replaced by G.
Protein change: p.Val203Gly; replaces valine 203 with glycine.
Molecular consequence: missense variant.
Genome position (GRCh38, 1-based): chr2:58,165,807, A>C on the plus strand (T>G on the coding strand, the complement: FANCL is on the minus strand). VCF-style: chr2-58165807-A-C. GRCh37 (hg19) VCF-style: chr2-58392942-A-C.
Other names: c.623T>G, p.Val208Gly (NM_001114636.2); c.653T>G, p.Val218Gly (NM_001374615.1); c.668T>G, p.Val223Gly (NM_001410792.1); short protein forms V208G, V218G, V203G, V223G.
Identifiers: ClinVar variation 1415939 (VCV001415939.6), dbSNP rs1453411120, ClinGen allele CA346937488.

ClinVar aggregate classification (germline): Uncertain significance (1 of 4 stars; one submission).

Conditions:
Fanconi anemia (FA). Also called: Fanconi's anemia. Identifiers: Orphanet 84, MedGen C0015625, MeSH D005199, MONDO:0019391.

Allele frequency attached by ClinVar (database versions not stated): gnomAD exomes below 0.00001.

Submission:

Labcorp Genetics (formerly Invitae), Labcorp
Classification: Uncertain significance for Fanconi anemia. Last evaluated: 2021-10-14. Review status: criteria provided, single submitter. Criteria: Invitae Variant Classification Sherloc (09022015). Collection method: clinical testing. Allele origin: germline.
Comment: In summary, the available evidence is currently insufficient to determine the role of this variant in disease. Therefore, it has been classified as a Variant of Uncertain Significance. Algorithms developed to predict the effect of sequence changes on RNA splicing suggest that this variant may create or strengthen a splice site. Algorithms developed to predict the effect of missense changes on protein structure and function are either unavailable or do not agree on the potential impact of this missense change (SIFT: "Tolerated"; PolyPhen-2: "Possibly Damaging"; Align-GVGD: "Class C0"). This variant has not been reported in the literature in individuals affected with FANCL-related conditions. This variant is not present in population databases (ExAC no frequency). This sequence change replaces valine with glycine at codon 203 of the FANCL protein (p.Val203Gly). The valine residue is moderately conserved and there is a moderate physicochemical difference between valine and glycine.